The following is an entry in ClinVar:

ClinVar aggregate classification (germline): Uncertain significance (0 of 4 stars; one submission).

Conditions:
ARID1A-related disorder. Also called: ARID1A-related condition.

Submission:

PreventionGenetics, part of Exact Sciences
Classification: Uncertain significance for ARID1A-related condition. Last evaluated: 2024-02-27. Review status: no assertion criteria provided. Collection method: clinical testing. Allele origin: germline.
Comment: The ARID1A c.4426A>G variant is predicted to result in the amino acid substitution p.Met1476Val. To our knowledge, this variant has not been reported in the literature or in a large population database, indicating this variant is rare. At this time, the clinical significance of this variant is uncertain due to the absence of conclusive functional and genetic evidence.

NM_006015.6(ARID1A):c.4426A>G (p.Met1476Val)

Gene: ARID1A (AT-rich interaction domain 1A; plus strand). Cytogenetic location: 1p36.11.
Variant type: single nucleotide variant.
Coding change: c.4426A>G on transcript NM_006015.6 (MANE Select); coding-DNA position 4426, A replaced by G.
Protein change: p.Met1476Val; replaces methionine 1476 with valine.
Molecular consequence: missense variant. On other transcripts: intron variant (1).
Genome position (GRCh38, 1-based): chr1:26,774,653, A>G. VCF-style: chr1-26774653-A-G. GRCh37 (hg19) VCF-style: chr1-27101144-A-G.
Other names: c.4102-327A>G (NM_139135.4); short protein forms M1476V.
Identifiers: ClinVar variation 3030216 (VCV003030216.2), dbSNP rs1183168354, ClinGen allele CA339175412.
Genomic context (GRCh38, chr1:26,774,653, plus strand): 5'-CCATTCCAGTTTGGCCGAGACCGTGTCTCTGCACCCCCTGGCACCAATGCCCAGCAAAAC[A>G]TGCCACCACAAATGATGGGCGGCCCCATACAGGCATCAGCTGAGGTTGCTCAGCAAGGCA-3'
Protein context (NP_006006.3, residues 1466-1486): APPGTNAQQN[Met1476Val]PPQMMGGPIQ